The following is an entry in ClinVar:

NM_002100.6(GYPB):c.250A>G (p.Ser84Gly)

Gene: GYPB (glycophorin B (MNS blood group); minus strand). Cytogenetic location: 4q31.21.
Variant type: single nucleotide variant.
Coding change: c.250A>G on transcript NM_002100.6 (MANE Select); coding-DNA position 250, A replaced by G.
Protein change: p.Ser84Gly; replaces serine 84 with glycine.
Molecular consequence: missense variant.
Genome position (GRCh38, 1-based): chr4:143,997,560, T>C on the plus strand (A>G on the coding strand, the complement: GYPB is on the minus strand). VCF-style: chr4-143997560-T-C. GRCh37 (hg19) VCF-style: chr4-144918713-T-C.
Other names: c.250A>G (NM_002100.4); c.172A>G, p.Thr58Ala (NM_001304382.1); short protein forms S84G, T58A.
Identifiers: ClinVar variation 3388470 (VCV003388470.15).

ClinVar aggregate classification (germline): Conflicting classifications of pathogenicity. Review status: criteria provided, conflicting classifications (1 of 4 stars). 2 submissions from 2 submitters: Uncertain significance (1); Likely benign (1). Last evaluated 2025-08-28.

gnomAD v4.1: 961 of 1,589,484 alleles (0.06%); highest among the groups gnomAD compares: African/African-American, 0.39%; 19 homozygotes.

Submissions (2):

Ambry Genetics
Classification: Uncertain significance. Last evaluated: 2025-08-28. Review status: criteria provided, single submitter. Criteria: Ambry Variant Classification Scheme 2023. Collection method: clinical testing. Allele origin: germline.

CeGaT Center for Human Genetics Tuebingen
Classification: Likely benign. Last evaluated: 2024-10-01. Review status: criteria provided, single submitter. Criteria: CeGaT Center For Human Genetics Tuebingen Variant Classification Criteria Version 2. Collection method: clinical testing. Allele origin: germline. Affected: yes. Observed: 1 variant allele.
Comment: GYPB: BS2